The following is an entry in ClinVar:

ClinVar aggregate classification (germline): Likely benign. Review status: criteria provided, multiple submitters, no conflicts (2 of 4 stars). 2 submissions from 2 submitters: Likely benign (2). Last evaluated 2025-11-19.

Conditions:
Kleefstra syndrome 1 (KLEFS1). Identifiers: Orphanet 261494, MedGen C0795833, MONDO:0027407, OMIM 610253.

Allele frequency attached by ClinVar (database versions not stated): gnomAD 0.00001 and 0.00002; TOPMed 0.00002.
gnomAD v4.1: 57 of 1,607,240 alleles (0.0035%); highest among the groups gnomAD compares: South Asian, 0.0044%; no homozygotes.

Submissions (2):

Labcorp Genetics (formerly Invitae), Labcorp
Classification: Likely benign for Kleefstra syndrome 1. Last evaluated: 2025-11-19. Review status: criteria provided, single submitter. Criteria: Invitae Variant Classification Sherloc (09022015). Collection method: clinical testing. Allele origin: germline.

CeGaT Center for Human Genetics Tuebingen
Classification: Likely benign. Last evaluated: 2025-11-01. Review status: criteria provided, single submitter. Criteria: CeGaT Center For Human Genetics Tuebingen Variant Classification Criteria Version 2. Collection method: clinical testing. Allele origin: germline. Affected: yes. Observed: 2 variant alleles.
Comment: EHMT1: BP4, BP7

NM_024757.5(EHMT1):c.519C>T (p.Ala173=)

Gene: EHMT1 (euchromatic histone lysine methyltransferase 1; plus strand). Cytogenetic location: 9q34.3.
Variant type: single nucleotide variant.
Coding change: c.519C>T on transcript NM_024757.5 (MANE Select); coding-DNA position 519, C replaced by T.
Protein change: p.Ala173=; no amino-acid change (alanine 173 retained).
Molecular consequence: synonymous variant.
Genome position (GRCh38, 1-based): chr9:137,717,059, C>T. VCF-style: chr9-137717059-C-T. GRCh37 (hg19) VCF-style: chr9-140611511-C-T.
Other names: c.519C>T, p.Ala173= (NM_001145527.2, NM_001354263.2, NM_001354611.2); c.426C>T, p.Ala142= (NM_001354259.2, NM_001354612.2).
Identifiers: ClinVar variation 739195 (VCV000739195.18), dbSNP rs767855452, ClinGen allele CA5374331.
Genomic context (GRCh38, chr9:137,717,059, plus strand): 5'-AACCCTTCCTGGAGGGGCTGGCAAAGGCAGGACTCCAAGCGCTTTTCCCCAGACGCCAGC[C>T]GCCCCACCAGCCACCCTTGGGGAGGGGAGTGCTGACACAGAGGACAGGAAGCTCCCGGCC-3'
Protein context (NP_079033.4, residues 163-183): RTPSAFPQTP[Ala173=]APPATLGEGS